The following is an entry in ClinVar:

NM_006767.4(LZTR1):c.232G>A (p.Asp78Asn)

Gene: LZTR1 (leucine zipper like post translational regulator 1; plus strand). Cytogenetic location: 22q11.21.
Variant type: single nucleotide variant.
Coding change: c.232G>A on transcript NM_006767.4 (MANE Select); coding-DNA position 232, G replaced by A.
Protein change: p.Asp78Asn; replaces aspartic acid 78 with asparagine.
Molecular consequence: missense variant.
Genome position (GRCh38, 1-based): chr22:20,983,058, G>A. VCF-style: chr22-20983058-G-A. GRCh37 (hg19) VCF-style: chr22-21337347-G-A.
Other names: short protein forms D78N.
Identifiers: ClinVar variation 3372788 (VCV003372788.2).

ClinVar aggregate classification (germline): Uncertain significance. Review status: criteria provided, multiple submitters, no conflicts (2 of 4 stars). 2 submissions from 2 submitters: Uncertain significance (2). Last evaluated 2025-10-23.

Submissions (2):

Labcorp Genetics (formerly Invitae), Labcorp
Classification: Uncertain significance. Last evaluated: 2025-10-23. Review status: criteria provided, single submitter. Criteria: Invitae Variant Classification Sherloc (09022015). Collection method: clinical testing. Allele origin: germline.
Comment: This sequence change replaces aspartic acid, which is acidic and polar, with asparagine, which is neutral and polar, at codon 78 of the LZTR1 protein (p.Asp78Asn). This variant is not present in population databases (gnomAD no frequency). This variant has not been reported in the literature in individuals affected with LZTR1-related conditions. ClinVar contains an entry for this variant (Variation ID: 3372788). Invitae Evidence Modeling of protein sequence and biophysical properties (such as structural, functional, and spatial information, amino acid conservation, physicochemical variation, residue mobility, and thermodynamic stability) indicates that this missense variant is not expected to disrupt LZTR1 protein function with a negative predictive value of 80%. In summary, the available evidence is currently insufficient to determine the role of this variant in disease. Therefore, it has been classified as a Variant of Uncertain Significance.

GeneDx
Classification: Uncertain significance. Last evaluated: 2024-04-29. Review status: criteria provided, single submitter. Criteria: GeneDx Variant Classification Process June 2021. Collection method: clinical testing. Allele origin: germline. Affected: yes.
Comment: Not observed at significant frequency in large population cohorts (gnomAD); In silico analysis supports that this missense variant has a deleterious effect on protein structure/function; Has not been previously published as pathogenic or benign to our knowledge